The following is an entry in ClinVar:

ClinVar aggregate classification (germline): Uncertain significance (1 of 4 stars; one submission).

Conditions:
Combined oxidative phosphorylation defect type 17. Also called: Combined oxidative phosphorylation deficiency 17. Identifiers: Orphanet 369913, MedGen C3809526, MONDO:0014190, OMIM 615440.

Submission:

Labcorp Genetics (formerly Invitae), Labcorp
Classification: Uncertain significance for Combined oxidative phosphorylation defect type 17. Last evaluated: 2016-01-12. Review status: criteria provided, single submitter. Criteria: Invitae Variant Classification Sherloc (09022015). Collection method: clinical testing. Allele origin: germline.
Comment: In summary, this is an in frame insertion with uncertain impact on protein function. It has been classified as a Variant of Uncertain Significance. This variant is not present in population databases (ExAC no frequency) and has not been reported in the literature in individuals with a ELAC2-related disease. This sequence change inserts 63 nucleotides in exon 24 of the ELAC2 mRNA (c.2415_2416ins63). This leads to the insertion of 21 amino acid residue(s) in the ELAC2 protein (p.Asp805_Gly806ins21) but otherwise preserves the integrity of the reading frame.

NM_018127.7(ELAC2):c.2415_2416insCGGGGGCTGCGGCAGGTGCGGGCGGCCCTCCTGTCCAGGGAGCTGGCAGGCGGCCTGGAGGAT (p.Asp805_Gly806insArgGlyLeuArgGlnValArgAlaAlaLeuLeuSerArgGluLeuAlaGlyGlyLeuGluAsp)

Gene: ELAC2 (elaC ribonuclease Z 2; minus strand). Cytogenetic location: 17p12.
Variant type: Insertion.
Coding change: c.2415_2416insCGGGGGCTGCGGCAGGTGCGGGCGGCCCTCCTGTCCAGGGAGCTGGCAGGCGGCCTGGAGGAT on transcript NM_018127.7 (MANE Select); coding-DNA positions 2415 to 2416, CGGGGGCTGCGGCAGGTGCGGGCGGCCCTCCTGTCCAGGGAGCTGGCAGGCGGCCTGGAGGAT inserted.
Protein change: p.Asp805_Gly806insArgGlyLeuArgGlnValArgAlaAlaLeuLeuSerArgGluLeuAlaGlyGlyLeuGluAsp.
Molecular consequence: inframe insertion.
Genome position: GRCh38: chr17:12,992,941-12,992,942. GRCh37 (hg19): chr17:12,896,258-12,896,259.
Other names: c.2295_2296insCGGGGGCTGCGGCAGGTGCGGGCGGCCCTCCTGTCCAGGGAGCTGGCAGGCGGCCTGGAGGAT, p.Asp765_Gly766insArgGlyLeuArgGlnValArgAlaAlaLeuLeuSerArgGluLeuAlaGlyGlyLeuGluAsp (NM_001165962.2); c.2412_2413insCGGGGGCTGCGGCAGGTGCGGGCGGCCCTCCTGTCCAGGGAGCTGGCAGGCGGCCTGGAGGAT, p.Asp804_Gly805insArgGlyLeuArgGlnValArgAlaAlaLeuLeuSerArgGluLeuAlaGlyGlyLeuGluAsp (NM_173717.2).
Identifiers: ClinVar variation 241278 (VCV000241278.3), dbSNP rs878855051, ClinGen allele CA10583446.